The following is an entry in ClinVar:

ClinVar aggregate classification (germline): Likely benign. Review status: criteria provided, multiple submitters, no conflicts (2 of 4 stars). 2 submissions from 2 submitters: Likely benign (2). Last evaluated 2024-04-25.

Allele frequency attached by ClinVar (database versions not stated): gnomAD exomes below 0.00001.
gnomAD v4.1: 5 of 1,614,082 alleles (0.00031%); highest among the groups gnomAD compares: Non-Finnish European, 0.00034%; no homozygotes.

Submissions (2):

Women's Health and Genetics/Laboratory Corporation of America, LabCorp
Classification: Likely benign. Last evaluated: 2024-04-25. Review status: criteria provided, single submitter. Criteria: LabCorp Variant Classification Summary - May 2015. Collection method: clinical testing. Allele origin: germline.
Comment: Variant summary: ABCC8 c.4546-12C>T alters a non-conserved nucleotide located at a position not widely known to affect splicing. Consensus agreement among computation tools predict no significant impact on normal splicing. However, these predictions have yet to be confirmed by functional studies. The variant was absent in 251216 control chromosomes. The available data on variant occurrences in the general population are insufficient to allow any conclusion about variant significance. To our knowledge, no occurrence of c.4546-12C>T in individuals affected with Familial Hyperinsulinism and no experimental evidence demonstrating its impact on protein function have been reported. ClinVar contains an entry for this variant (Variation ID: 3023652). Based on the evidence outlined above, the variant was classified as likely benign.

Labcorp Genetics (formerly Invitae), Labcorp
Classification: Likely benign. Last evaluated: 2023-04-30. Review status: criteria provided, single submitter. Criteria: Invitae Variant Classification Sherloc (09022015). Collection method: clinical testing. Allele origin: germline.

NM_000352.6(ABCC8):c.4546-12C>T

Gene: ABCC8 (ATP binding cassette subfamily C member 8; minus strand). Cytogenetic location: 11p15.1.
Variant type: single nucleotide variant.
Coding change: c.4546-12C>T on transcript NM_000352.6 (MANE Select); 12 bases into the intron before coding-DNA position 4546, C replaced by T.
Molecular consequence: intron variant.
Genome position (GRCh38, 1-based): chr11:17,393,771, G>A on the plus strand (C>T on the coding strand, the complement: ABCC8 is on the minus strand). VCF-style: chr11-17393771-G-A. GRCh37 (hg19) VCF-style: chr11-17415318-G-A.
Other names: c.4543-12C>T (NM_001351297.2); c.4546-12C>T (NM_001351296.2); c.4612-12C>T (NM_001351295.2); c.4549-12C>T (NM_001287174.3).
Identifiers: ClinVar variation 3023652 (VCV003023652.4), dbSNP rs905424734, ClinGen allele CA1955122321.